The following is an entry in ClinVar:

ClinVar aggregate classification (germline): Uncertain significance (1 of 4 stars; one submission).

Conditions:
Inborn genetic diseases. Identifiers: MedGen C0950123, MeSH D030342.

gnomAD v4.1: 1 of 1,614,032 alleles (0.000062%); highest among the groups gnomAD compares: Non-Finnish European, 0.000085%; no homozygotes.

Submission:

Ambry Genetics
Classification: Uncertain significance for Inborn genetic diseases. Last evaluated: 2025-11-03. Review status: criteria provided, single submitter. Criteria: Ambry Variant Classification Scheme 2023. Collection method: clinical testing. Allele origin: germline.
Comment: The p.M449V variant (also known as c.1345A>G), located in coding exon 10 of the BMPR2 gene, results from an A to G substitution at nucleotide position 1345. The methionine at codon 449 is replaced by valine, an amino acid with highly similar properties. This amino acid position is conserved. In addition, the in silico prediction for this alteration is inconclusive. Based on the available evidence, the clinical significance of this variant remains unclear.

NM_001204.7(BMPR2):c.1345A>G (p.Met449Val)

Gene: BMPR2 (bone morphogenetic protein receptor type 2; plus strand). Cytogenetic location: 2q33.2.
Variant type: single nucleotide variant.
Coding change: c.1345A>G on transcript NM_001204.7 (MANE Select); coding-DNA position 1345, A replaced by G.
Protein change: p.Met449Val; replaces methionine 449 with valine.
Molecular consequence: missense variant.
Genome position (GRCh38, 1-based): chr2:202,542,379, A>G. VCF-style: chr2-202542379-A-G. GRCh37 (hg19) VCF-style: chr2-203407102-A-G.
Other names: short protein forms M449V.
Identifiers: ClinVar variation 4597607 (VCV004597607.1).